The following is an entry in ClinVar:

ClinVar aggregate classification (germline): Benign. Review status: criteria provided, multiple submitters, no conflicts (2 of 4 stars). 3 submissions from 3 submitters: Benign (3). Last evaluated 2026-09-01.

Allele frequency attached by ClinVar (database versions not stated): ExAC 0.00287; gnomAD exomes 0.00306; ESP Exome Variant Server 0.00521; gnomAD 0.00555 and 0.00582; 1000 Genomes Project 0.00559; 1000 Genomes Project 30x 0.00671; TOPMed 0.00720.
gnomAD v4.1: 3,895 of 1,613,996 alleles (0.24%); highest among the groups gnomAD compares: African/African-American, 1.2%; 21 homozygotes.

Submissions (12):

CeGaT Center for Human Genetics Tuebingen
Classification: Benign. Last evaluated: 2026-09-01. Review status: criteria provided, single submitter. Criteria: CeGaT Center For Human Genetics Tuebingen Variant Classification Criteria Version 2. Collection method: clinical testing. Allele origin: germline. Affected: yes. Observed: 7 variant alleles.
Comment: ATXN7L3: BP4, BS1, BS2

Labcorp Genetics (formerly Invitae), Labcorp
Classification: Benign. Last evaluated: 2017-08-08. Review status: criteria provided, single submitter. Criteria: Invitae Variant Classification Sherloc (09022015). Collection method: clinical testing. Allele origin: germline.

Breakthrough Genomics
Classification: Benign. Review status: criteria provided, single submitter. Criteria: ACMG Guidelines, 2015. Collection method: not provided. Allele origin: germline. Inheritance: Unknown mechanism. Affected: yes.

Dr. Peter K. Rogan Lab, Western University
No classification provided (evidence only). Condition: Clear cell carcinoma of kidney. Review status: no classification provided. Collection method: in vitro. Allele origin: not applicable. Functional consequence: retained intron. Not counted in ClinVar's aggregate classification.

Dr. Peter K. Rogan Lab, Western University
No classification provided (evidence only). Condition: Clear cell carcinoma of kidney. Review status: no classification provided. Collection method: in vitro. Allele origin: not applicable. Functional consequence: retained intron. Not counted in ClinVar's aggregate classification.

Dr. Peter K. Rogan Lab, Western University
No classification provided (evidence only). Condition: Acute myeloid leukemia. Review status: no classification provided. Collection method: in vitro. Allele origin: not applicable. Functional consequence: retained intron. Not counted in ClinVar's aggregate classification.

Dr. Peter K. Rogan Lab, Western University
No classification provided (evidence only). Condition: Acute myeloid leukemia. Review status: no classification provided. Collection method: in vitro. Allele origin: not applicable. Functional consequence: retained intron. Not counted in ClinVar's aggregate classification.

Dr. Peter K. Rogan Lab, Western University
No classification provided (evidence only). Condition: Acute myeloid leukemia. Review status: no classification provided. Collection method: in vitro. Allele origin: not applicable. Functional consequence: retained intron. Not counted in ClinVar's aggregate classification.

Dr. Peter K. Rogan Lab, Western University
No classification provided (evidence only). Condition: Cervical cancer. Review status: no classification provided. Collection method: in vitro. Allele origin: not applicable. Functional consequence: retained intron. Not counted in ClinVar's aggregate classification.

Dr. Peter K. Rogan Lab, Western University
No classification provided (evidence only). Condition: Cervical cancer. Review status: no classification provided. Collection method: in vitro. Allele origin: not applicable. Functional consequence: retained intron. Not counted in ClinVar's aggregate classification.

Dr. Peter K. Rogan Lab, Western University
No classification provided (evidence only). Condition: Ovarian serous cystadenocarcinoma. Review status: no classification provided. Collection method: in vitro. Allele origin: not applicable. Functional consequence: retained intron. Not counted in ClinVar's aggregate classification.

Dr. Peter K. Rogan Lab, Western University
No classification provided (evidence only). Condition: Gastric cancer. Review status: no classification provided. Collection method: in vitro. Allele origin: not applicable. Functional consequence: retained intron. Not counted in ClinVar's aggregate classification.

NM_001382309.1(ATXN7L3):c.738-3C>T

Gene: ATXN7L3 (ataxin 7 like 3; minus strand). Cytogenetic location: 17q21.31.
Variant type: single nucleotide variant.
Coding change: c.738-3C>T on transcript NM_001382309.1 (MANE Select); 3 bases into the intron before coding-DNA position 738, C replaced by T.
Genome position (GRCh38, 1-based): chr17:44,194,677, G>A on the plus strand (C>T on the coding strand, the complement: ATXN7L3 is on the minus strand). VCF-style: chr17-44194677-G-A. GRCh37 (hg19) VCF-style: chr17-42272045-G-A.
Other names: NM_020218.1:c.759-3C>T; NC_000017.10:g.42272045G>A.
Identifiers: ClinVar variation 787136 (VCV000787136.12), dbSNP rs115905790, ClinGen allele CA8598765.